The following is an entry in ClinVar:

NM_006059.4(LAMC3):c.2251G>A (p.Asp751Asn)

Gene: LAMC3 (laminin subunit gamma 3; plus strand). Cytogenetic location: 9q34.12.
Variant type: single nucleotide variant.
Coding change: c.2251G>A on transcript NM_006059.4 (MANE Select); coding-DNA position 2251, G replaced by A.
Protein change: p.Asp751Asn; replaces aspartic acid 751 with asparagine.
Molecular consequence: missense variant.
Genome position (GRCh38, 1-based): chr9:131,061,127, G>A. VCF-style: chr9-131061127-G-A. GRCh37 (hg19) VCF-style: chr9-133936514-G-A.
Other names: short protein forms D751N.
Identifiers: ClinVar variation 2059563 (VCV002059563.3), dbSNP rs749114435, ClinGen allele CA5287368.

ClinVar aggregate classification (germline): Uncertain significance. Review status: criteria provided, multiple submitters, no conflicts (2 of 4 stars). 2 submissions from 2 submitters: Uncertain significance (2). Last evaluated 2024-04-06.

Allele frequency attached by ClinVar (database versions not stated): ExAC 0.00001; gnomAD exomes 0.00001.
gnomAD v4.1: 11 of 1,613,744 alleles (0.00068%); highest among the groups gnomAD compares: South Asian, 0.0066%; no homozygotes.

Submissions (2):

Labcorp Genetics (formerly Invitae), Labcorp
Classification: Uncertain significance. Last evaluated: 2024-04-06. Review status: criteria provided, single submitter. Criteria: Invitae Variant Classification Sherloc (09022015). Collection method: clinical testing. Allele origin: germline.
Comment: This sequence change replaces aspartic acid, which is acidic and polar, with asparagine, which is neutral and polar, at codon 751 of the LAMC3 protein (p.Asp751Asn). This variant is present in population databases (rs749114435, gnomAD 0.006%). This variant has not been reported in the literature in individuals affected with LAMC3-related conditions. ClinVar contains an entry for this variant (Variation ID: 2059563). An algorithm developed to predict the effect of missense changes on protein structure and function (PolyPhen-2) suggests that this variant is likely to be disruptive. In summary, the available evidence is currently insufficient to determine the role of this variant in disease. Therefore, it has been classified as a Variant of Uncertain Significance.

Blueprint Genetics
Classification: Uncertain significance. Last evaluated: 2022-12-01. Review status: criteria provided, single submitter. Criteria: ACMG Guidelines, 2015. Collection method: clinical testing. Allele origin: germline.